The following is an entry in ClinVar:

ClinVar aggregate classification (germline): Likely benign (1 of 4 stars; one submission).

Submission:

GeneDx
Classification: Likely benign. Last evaluated: 2021-08-26. Review status: criteria provided, single submitter. Criteria: GeneDx Variant Classification Process June 2021. Collection method: clinical testing. Allele origin: germline. Affected: yes.
Comment: Not observed in large population cohorts (Lek et al., 2016); In-frame insertion of 4 amino acids in a repetitive region with no known function; Has not been previously published as pathogenic or benign to our knowledge

NM_003070.5(SMARCA2):c.704_705insACAACAGCAGCC (p.Pro243_Pro244insGlnGlnGlnPro)

Gene: SMARCA2 (SWI/SNF related, matrix associated, actin dependent regulator of chromatin, subfamily a, member 2; plus strand). Cytogenetic location: 9p24.3.
Variant type: Insertion.
Coding change: c.704_705insACAACAGCAGCC on transcript NM_003070.5 (MANE Select); coding-DNA positions 704 to 705, ACAACAGCAGCC inserted.
Protein change: p.Pro243_Pro244insGlnGlnGlnPro.
Molecular consequence: inframe insertion. On other transcripts: inframe indel (1).
Genome position: GRCh38 VCF-style: chr9-2039814-A-AACAACAGCAGCC. GRCh37 (hg19) VCF-style: chr9-2039814-A-AACAACAGCAGCC.
Other names: c.704_705insACAACAGCAGCC, p.Pro243_Pro244insGlnGlnGlnPro (NM_001289396.2, NM_001289397.2, NM_139045.4).
Identifiers: ClinVar variation 1254928 (VCV001254928.2), dbSNP rs1362579661, ClinGen allele CA918396343.